The following is an entry in ClinVar:

NM_001267550.2(TTN):c.2506G>A (p.Gly836Ser)

Gene: TTN (titin; minus strand). Cytogenetic location: 2q31.2.
Variant type: single nucleotide variant.
Coding change: c.2506G>A on transcript NM_001267550.2 (MANE Select); coding-DNA position 2506, G replaced by A.
Protein change: p.Gly836Ser; replaces glycine 836 with serine.
Molecular consequence: missense variant.
Genome position (GRCh38, 1-based): chr2:178,784,339, C>T on the plus strand (G>A on the coding strand, the complement: TTN is on the minus strand). VCF-style: chr2-178784339-C-T. GRCh37 (hg19) VCF-style: chr2-179649066-C-T.
Other names: c.2506G>A, p.Gly836Ser (NM_001256850.1, NM_133378.4, NM_133379.5); c.2368G>A, p.Gly790Ser (NM_003319.4, NM_133432.3, NM_133437.4); short protein forms G836S, G790S.
Identifiers: ClinVar variation 597613 (VCV000597613.14), dbSNP rs751157908, ClinGen allele CA2005795.
Genomic context (GRCh38, chr2:178,784,339, plus strand): 5'-TGATCTTCTGAGCAGAAGATGTGGCTGACAACTCTTTTTGTAATGTGGCAATAGCACTAC[C>T]GGCTATTGATGCCTACATGGAAACAGAGTCAGAAAATAAAGTCATTTAACCATCCTCCGA-3'
Protein context (NP_001254479.2, residues 826-846): TEHGYEASIA[Gly836Ser]SAIATLQKEL

ClinVar aggregate classification (germline): Conflicting classifications of pathogenicity. Review status: criteria provided, conflicting classifications (1 of 4 stars). 5 submissions from 5 submitters: Uncertain significance (3); Likely benign (1). 1 of the submissions does not count toward it. Last evaluated 2025-07-09.

Conditions:
TTN-related disorder. Also called: TTN-related disorders; TTN-related condition; TTN-related disease.
Cardiovascular phenotype. Identifiers: MedGen CN230736.

Allele frequency attached by ClinVar (database versions not stated): TOPMed 0.00002; gnomAD exomes 0.00003; ExAC 0.00005; gnomAD 0.00005.
gnomAD v4.1: 63 of 1,613,886 alleles (0.0039%); highest among the groups gnomAD compares: African/African-American, 0.0093%; no homozygotes.

Submissions (5):

Women's Health and Genetics/Laboratory Corporation of America, LabCorp
Classification: Uncertain significance. Last evaluated: 2025-07-09. Review status: criteria provided, single submitter. Criteria: LabCorp Variant Classification Summary - May 2015. Collection method: clinical testing. Allele origin: germline.
Comment: Variant summary: TTN c.2506G>A (p.Gly836Ser) results in a non-conservative amino acid change located in the region near Z-disk of the encoded protein sequence. Algorithms developed to predict the effect of missense changes on protein structure and function all suggest that this variant is likely to be disruptive. The variant allele was found at a frequency of 2.8e-05 in 249958 control chromosomes. The available data on variant occurrences in the general population are insufficient to allow any conclusion about variant significance. c.2506G>A has been reported in the literature in an individual with sudden unexplained death (Modena_2020). These report(s) do not provide unequivocal conclusions about association of the variant with Dilated Cardiomyopathy. Co-occurrences with other pathogenic variant(s) have been reported ( MYBPC3 c.3624delC , p.Lys1209SerfsX28). To our knowledge, no experimental evidence demonstrating an impact on protein function has been reported. The following publication have been ascertained in the context of this evaluation (PMID: 32101375). ClinVar contains an entry for this variant (Variation ID: 597613). Based on the evidence outlined above, the variant was classified as uncertain significance.

GeneDx
Classification: Likely benign. Last evaluated: 2020-03-26. Review status: criteria provided, single submitter. Criteria: GeneDx Variant Classification Process June 2021. Collection method: clinical testing. Allele origin: germline. Affected: yes.

Ambry Genetics
Classification: Uncertain significance for Cardiovascular phenotype. Last evaluated: 2018-08-24. Review status: criteria provided, single submitter. Criteria: Ambry Variant Classification Scheme 2023. Collection method: clinical testing. Allele origin: germline.
Comment: The p.G790S variant (also known as c.2368G>A), located in coding exon 14 of the TTN gene, results from a G to A substitution at nucleotide position 2368. The glycine at codon 790 is replaced by serine, an amino acid with similar properties. This amino acid position is highly conserved in available vertebrate species. In addition, the in silico prediction for this alteration is inconclusive. Since supporting evidence is limited at this time, the clinical significance of this alteration remains unclear.

Eurofins Ntd Llc (ga)
Classification: Uncertain significance. Last evaluated: 2018-06-21. Review status: criteria provided, single submitter. Criteria: EGL ClinVar v180209 classification definitions. Collection method: clinical testing. Allele origin: germline. Observed: 1 variant allele, 1 heterozygote.

PreventionGenetics, part of Exact Sciences
Classification: Uncertain significance for TTN-related condition. Last evaluated: 2024-09-19. Review status: no assertion criteria provided. Collection method: clinical testing. Allele origin: germline. Not counted in ClinVar's aggregate classification.
Comment: The TTN c.2506G>A variant is predicted to result in the amino acid substitution p.Gly836Ser. To our knowledge, this variant has not been reported in the literature. This variant is reported in 0.010% of alleles in individuals of East Asian descent in gnomAD. At this time, the clinical significance of this variant is uncertain due to the absence of conclusive functional and genetic evidence.

Literature cited by the submitters: PubMed 32101375 (cited by Women's Health and Genetics/Laboratory Corporation of America, LabCorp).